The following is an entry in ClinVar:

NM_005050.4(ABCD4):c.1559+20G>A

Gene: ABCD4 (ATP binding cassette subfamily D member 4; minus strand). Cytogenetic location: 14q24.3.
Variant type: single nucleotide variant.
Coding change: c.1559+20G>A on transcript NM_005050.4 (MANE Select); 20 bases into the intron after coding-DNA position 1559, G replaced by A.
Molecular consequence: intron variant.
Genome position (GRCh38, 1-based): chr14:74,288,187, C>T on the plus strand (G>A on the coding strand, the complement: ABCD4 is on the minus strand). VCF-style: chr14-74288187-C-T. GRCh37 (hg19) VCF-style: chr14-74754890-C-T.
Other names: c.770+20G>A (NM_001353607.2, NM_001353604.2, NM_001353603.2 and 5 more transcripts); c.1082+20G>A (NM_001353598.2, NM_001353601.2, NM_001353600.2 and 2 more transcripts); c.1247+20G>A (NM_001353594.2); c.1298+20G>A (NM_001353593.2); c.1094+20G>A (NM_001353597.2); c.1145+20G>A (NM_001353596.2, NM_001353595.2); c.1433+20G>A (NM_001353591.2, NM_001353592.2); c.826+20G>A (NM_001353610.2); and 1 more.
Identifiers: ClinVar variation 509827 (VCV000509827.9), dbSNP rs572419384, ClinGen allele CA7266710.

ClinVar aggregate classification (germline): Likely benign. Review status: criteria provided, multiple submitters, no conflicts (2 of 4 stars). 2 submissions from 2 submitters: Likely benign (2). Last evaluated 2022-08-08.

Conditions:
Methylmalonic acidemia with homocystinuria, type cblJ (MAHCJ). Also called: METHYLMALONIC ACIDURIA AND HOMOCYSTINURIA, cblJ TYPE. Identifiers: Orphanet 369955, MedGen C3553915, MONDO:0013925, OMIM 614857.

Allele frequency attached by ClinVar (database versions not stated): gnomAD 0.00003 and 0.00002; gnomAD exomes 0.00004; 1000 Genomes Project 30x 0.00031; ExAC 0.00001; TOPMed 0.00002; 1000 Genomes Project 0.00020.
gnomAD v4.1: 29 of 1,611,712 alleles (0.0018%); highest among the groups gnomAD compares: Admixed American, 0.013%; no homozygotes.

Submissions (2):

Labcorp Genetics (formerly Invitae), Labcorp
Classification: Likely benign for Methylmalonic acidemia with homocystinuria, type cblJ. Last evaluated: 2022-08-08. Review status: criteria provided, single submitter. Criteria: Invitae Variant Classification Sherloc (09022015). Collection method: clinical testing. Allele origin: germline.

GeneDx
Classification: Likely benign. Last evaluated: 2017-06-07. Review status: criteria provided, single submitter. Criteria: GeneDx Variant Classification (06012015). Collection method: clinical testing. Allele origin: germline. Affected: yes.
Comment: This variant is considered likely benign or benign based on one or more of the following criteria: it is a conservative change, it occurs at a poorly conserved position in the protein, it is predicted to be benign by multiple in silico algorithms, and/or has population frequency not consistent with disease.